The following is an entry in ClinVar:

ClinVar aggregate classification (germline): Uncertain significance (1 of 4 stars; one submission).

Conditions:
Inborn genetic diseases. Identifiers: MedGen C0950123, MeSH D030342.

Submission:

Ambry Genetics
Classification: Uncertain significance for Inborn genetic diseases. Last evaluated: 2024-09-21. Review status: criteria provided, single submitter. Criteria: Ambry Variant Classification Scheme 2023. Collection method: clinical testing. Allele origin: germline.
Comment: The p.E980K variant (also known as c.2938G>A), located in coding exon 23 of the LRRK2 gene, results from a G to A substitution at nucleotide position 2938. The glutamic acid at codon 980 is replaced by lysine, an amino acid with similar properties. This amino acid position is conserved. In addition, the in silico prediction for this alteration is inconclusive. Based on the available evidence, the clinical significance of this variant remains unclear.

NM_198578.4(LRRK2):c.2938G>A (p.Glu980Lys)

Gene: LRRK2 (leucine rich repeat kinase 2; plus strand). Cytogenetic location: 12q12.
Variant type: single nucleotide variant.
Coding change: c.2938G>A on transcript NM_198578.4 (MANE Select); coding-DNA position 2938, G replaced by A.
Protein change: p.Glu980Lys; replaces glutamic acid 980 with lysine.
Molecular consequence: missense variant.
Genome position (GRCh38, 1-based): chr12:40,295,486, G>A. VCF-style: chr12-40295486-G-A. GRCh37 (hg19) VCF-style: chr12-40689288-G-A.
Other names: short protein forms E980K.
Identifiers: ClinVar variation 3540689 (VCV003540689.1).